The following is an entry in ClinVar:

ClinVar aggregate classification (germline): Benign/Likely benign. Review status: criteria provided, multiple submitters, no conflicts (2 of 4 stars). 4 submissions from 4 submitters: Benign (1); Likely benign (2). 1 of the submissions does not count toward it. Last evaluated 2026-01-11.

Conditions:
NLRP12-related disorder. Also called: NLRP12-related conditions; NLRP12-related condition.
Familial cold autoinflammatory syndrome 2 (FCAS2). Identifiers: Orphanet 247868, MedGen C2673198, MONDO:0012724, OMIM 611762.

Allele frequency attached by ClinVar (database versions not stated): 1000 Genomes Project 0.00060; 1000 Genomes Project 30x 0.00062; ESP Exome Variant Server 0.00077.
gnomAD v4.1: 162 of 1,614,124 alleles (0.01%); highest among the groups gnomAD compares: African/African-American, 0.18%; no homozygotes.

Submissions (4):

Labcorp Genetics (formerly Invitae), Labcorp
Classification: Likely benign for Familial cold autoinflammatory syndrome 2. Last evaluated: 2026-01-11. Review status: criteria provided, single submitter. Criteria: Invitae Variant Classification Sherloc (09022015). Collection method: clinical testing. Allele origin: germline.

Blueprint Genetics
Classification: Likely benign. Last evaluated: 2024-09-19. Review status: criteria provided, single submitter. Criteria: ACMG Guidelines, 2015. Collection method: clinical testing. Allele origin: germline.

Illumina Laboratory Services, Illumina
Classification: Benign for Familial cold autoinflammatory syndrome 2. Last evaluated: 2018-01-12. Review status: criteria provided, single submitter. Criteria: ICSL Variant Classification Criteria 13 December 2019. Collection method: clinical testing. Allele origin: germline.
Comment: This variant was observed in the ICSL laboratory as part of a predisposition screen in an ostensibly healthy population. It had not been previously curated by ICSL or reported in the Human Gene Mutation Database (HGMD: prior to June 1st, 2018), and was therefore a candidate for classification through an automated scoring system. Utilizing variant allele frequency, disease prevalence and penetrance estimates, and inheritance mode, an automated score was calculated to assess if this variant is too frequent to cause the disease. Based on the score and internal cut-off values, a variant classified as benign is not then subjected to further curation. The score for this variant resulted in a classification of benign for this disease.

PreventionGenetics, part of Exact Sciences
Classification: Likely benign for NLRP12-related condition. Last evaluated: 2020-05-22. Review status: no assertion criteria provided. Collection method: clinical testing. Allele origin: germline. Not counted in ClinVar's aggregate classification.
Comment: This variant is classified as likely benign based on ACMG/AMP sequence variant interpretation guidelines (Richards et al. 2015 PMID: 25741868, with internal and published modifications).

NM_144687.4(NLRP12):c.2185G>A (p.Gly729Arg)

Gene: NLRP12 (NLR family pyrin domain containing 12; minus strand). Cytogenetic location: 19q13.42.
Variant type: single nucleotide variant.
Coding change: c.2185G>A on transcript NM_144687.4 (MANE Select); coding-DNA position 2185, G replaced by A.
Protein change: p.Gly729Arg; replaces glycine 729 with arginine.
Molecular consequence: missense variant.
Genome position (GRCh38, 1-based): chr19:53,807,553, C>T on the plus strand (G>A on the coding strand, the complement: NLRP12 is on the minus strand). VCF-style: chr19-53807553-C-T. GRCh37 (hg19) VCF-style: chr19-54310807-C-T.
Other names: c.2188G>A, p.Gly730Arg (NM_001277126.2); c.2185G>A, p.Gly729Arg (NM_001277129.1); short protein forms G729R, G730R.
Identifiers: ClinVar variation 894151 (VCV000894151.15), dbSNP rs139938997, ClinGen allele CA9639196.
Genomic context (GRCh38, chr19:53,807,553, plus strand): 5'-ACCTCAGGTTCTGAAGTTTGCAGTTGGGGTGTCTGAGTCCTTGACAGAGCAGCTTCACCC[C>T]CCGGCTGCCCAGGGCATTTCGGTACAGAGACAGCTCTATCAGGTTTGGATTGGTGCACAG-3'
Protein context (NP_653288.1, residues 719-739): SLYRNALGSR[Gly729Arg]VKLLCQGLRH